The following is an entry in ClinVar:

NM_001348484.3(RIMS2):c.182A>G (p.Lys61Arg)

Gene: RIMS2 (regulating synaptic membrane exocytosis 2; plus strand). Cytogenetic location: 8q22.3.
Variant type: single nucleotide variant.
Coding change: c.182A>G on transcript NM_001348484.3 (MANE Select); coding-DNA position 182, A replaced by G.
Protein change: p.Lys61Arg; replaces lysine 61 with arginine.
Molecular consequence: missense variant. On other transcripts: intron variant (13), non-coding transcript variant (1).
Genome position (GRCh38, 1-based): chr8:103,652,210, A>G. VCF-style: chr8-103652210-A-G. GRCh37 (hg19) VCF-style: chr8-104664438-A-G.
Other names: c.177-44876A>G (NM_001348490.2, NM_001348496.2, NM_001348486.2 and 10 more transcripts); c.182A>G, p.Lys61Arg (NM_001348488.2, NM_001348491.2, NM_001395653.1 and 1 more transcripts); short protein forms K61R.
Identifiers: ClinVar variation 4872240 (VCV004872240.2).

ClinVar aggregate classification (germline): Likely benign (1 of 4 stars; one submission).

gnomAD v4.1: 1,666 of 1,348,488 alleles (0.12%); highest among the groups gnomAD compares: South Asian, 0.88%; 18 homozygotes.

Submission:

CeGaT Center for Human Genetics Tuebingen
Classification: Likely benign. Last evaluated: 2026-05-01. Review status: criteria provided, single submitter. Criteria: CeGaT Center For Human Genetics Tuebingen Variant Classification Criteria Version 2. Collection method: clinical testing. Allele origin: germline. Affected: yes. Observed: 1 variant allele.
Comment: RIMS2: BS2